The following is an entry in ClinVar:

ClinVar aggregate classification (germline): Uncertain significance. Review status: criteria provided, multiple submitters, no conflicts (2 of 4 stars). 2 submissions from 2 submitters: Uncertain significance (2). Last evaluated 2025-02-18.

Conditions:
Epidermolysis bullosa simplex with nail dystrophy (EBS5D). Identifiers: MedGen C4225309, MONDO:0014661, OMIM 616487.
Epidermolysis bullosa simplex, Ogna type (EBS5A). Also called: Pidermolysis bullosa simplex 5A, Ogna type; EPIDERMOLYSIS BULLOSA SIMPLEX 5A, OGNA TYPE. Identifiers: Orphanet 79401, MedGen C0432317, MONDO:0007555, OMIM 131950.
Autosomal recessive limb-girdle muscular dystrophy type 2Q (LGMDR17). Also called: MUSCULAR DYSTROPHY, LIMB-GIRDLE, AUTOSOMAL RECESSIVE 17. Identifiers: Orphanet 254361, MedGen C3150989, MONDO:0013390, OMIM 613723.
Epidermolysis bullosa simplex 5B, with muscular dystrophy (EBS5B). Also called: EPIDERMOLYSIS BULLOSA SIMPLEX AND LIMB-GIRDLE MUSCULAR DYSTROPHY; Epidermolysis bullosa simplex with muscular dystrophy. Identifiers: Orphanet 257, MedGen C2931072, MONDO:0009181, OMIM 226670.
Epidermolysis bullosa simplex 5C, with pyloric atresia (EBS5C). Also called: PLEC-Related Epidermolysis Bullosa with Pyloric Atresia; Epidermolysis bullosa simplex with pyloric atresia; PLEC1-Related Epidermolysis Bullosa with Pyloric Atresia. Identifiers: Orphanet 158684, MedGen C2677349, MONDO:0012807, OMIM 612138.

Submissions (2):

Revvity Omics, Revvity
Classification: Uncertain significance. Last evaluated: 2025-02-18. Review status: criteria provided, single submitter. Criteria: ACMG Guidelines, 2015. Collection method: clinical testing. Allele origin: germline.

Labcorp Genetics (formerly Invitae), Labcorp
Classification: Uncertain significance for Autosomal recessive limb-girdle muscular dystrophy type 2Q; Epidermolysis bullosa simplex, Ogna type; Epidermolysis bullosa simplex with nail dystrophy; Epidermolysis bullosa simplex 5C, with pyloric atresia; Epidermolysis bullosa simplex 5B, with muscular dystrophy. Last evaluated: 2024-07-02. Review status: criteria provided, single submitter. Criteria: Invitae Variant Classification Sherloc (09022015). Collection method: clinical testing. Allele origin: germline.
Comment: This sequence change replaces glutamic acid, which is acidic and polar, with glutamine, which is neutral and polar, at codon 3880 of the PLEC protein (p.Glu3880Gln). This variant is not present in population databases (gnomAD no frequency). This variant has not been reported in the literature in individuals affected with PLEC-related conditions. An algorithm developed to predict the effect of missense changes on protein structure and function (PolyPhen-2) suggests that this variant is likely to be disruptive. In summary, the available evidence is currently insufficient to determine the role of this variant in disease. Therefore, it has been classified as a Variant of Uncertain Significance.

NM_201384.3(PLEC):c.11557G>C (p.Glu3853Gln)

Gene: PLEC (plectin; minus strand). Cytogenetic location: 8q24.3.
Variant type: single nucleotide variant.
Coding change: c.11557G>C on transcript NM_201384.3 (MANE Select); coding-DNA position 11557, G replaced by C.
Protein change: p.Glu3853Gln; replaces glutamic acid 3853 with glutamine.
Molecular consequence: missense variant.
Genome position (GRCh38, 1-based): chr8:143,918,264, C>G on the plus strand (G>C on the coding strand, the complement: PLEC is on the minus strand). VCF-style: chr8-143918264-C-G. GRCh37 (hg19) VCF-style: chr8-144992432-C-G.
Other names: c.11638G>C, p.Glu3880Gln (NM_000445.5); c.8257G>C, p.Glu2753Gln (NM_001410941.1); c.11515G>C, p.Glu3839Gln (NM_201378.4); c.11491G>C, p.Glu3831Gln (NM_201379.3); c.11968G>C, p.Glu3990Gln (NM_201380.4); c.11461G>C, p.Glu3821Gln (NM_201381.3); c.11557G>C, p.Glu3853Gln (NM_201382.4); c.11569G>C, p.Glu3857Gln (NM_201383.3); short protein forms E2753Q, E3821Q, E3831Q, E3839Q, E3853Q, E3857Q, E3880Q, E3990Q.
Identifiers: ClinVar variation 3751882 (VCV003751882.3).